The following is an entry in ClinVar:

ClinVar aggregate classification (germline): Uncertain significance (1 of 4 stars; one submission).

Allele frequency attached by ClinVar (database versions not stated): gnomAD exomes below 0.00001; gnomAD 0.00001.

Submission:

Labcorp Genetics (formerly Invitae), Labcorp
Classification: Uncertain significance. Last evaluated: 2024-01-17. Review status: criteria provided, single submitter. Criteria: Invitae Variant Classification Sherloc (09022015). Collection method: clinical testing. Allele origin: germline.
Comment: This sequence change replaces lysine, which is basic and polar, with asparagine, which is neutral and polar, at codon 124 of the ZBTB18 protein (p.Lys124Asn). This variant is present in population databases (no rsID available, gnomAD 0.01%). This missense change has been observed in individual(s) with clinical features of ZBTB18-related conditions (Invitae). ClinVar contains an entry for this variant (Variation ID: 1973703). Advanced modeling of protein sequence and biophysical properties (such as structural, functional, and spatial information, amino acid conservation, physicochemical variation, residue mobility, and thermodynamic stability) performed at Invitae indicates that this missense variant is not expected to disrupt ZBTB18 protein function with a negative predictive value of 95%. In summary, the available evidence is currently insufficient to determine the role of this variant in disease. Therefore, it has been classified as a Variant of Uncertain Significance.

NM_205768.3(ZBTB18):c.372G>C (p.Lys124Asn)

Gene: ZBTB18 (zinc finger and BTB domain containing 18; plus strand). Cytogenetic location: 1q44.
Variant type: single nucleotide variant.
Coding change: c.372G>C on transcript NM_205768.3 (MANE Select); coding-DNA position 372, G replaced by C.
Protein change: p.Lys124Asn; replaces lysine 124 with asparagine.
Molecular consequence: missense variant.
Genome position (GRCh38, 1-based): chr1:244,054,146, G>C. VCF-style: chr1-244054146-G-C. GRCh37 (hg19) VCF-style: chr1-244217448-G-C.
Other names: c.345G>C, p.Lys115Asn (NM_001278196.2, NM_006352.5); short protein forms K124N, K115N.
Identifiers: ClinVar variation 1973703 (VCV001973703.5), dbSNP rs1347603780, ClinGen allele CA345672757.
Genomic context (GRCh38, chr1:244,054,146, plus strand): 5'-AGACGTGCTAGCAGCTGCCAGTTATCTCCACATGTATGACATTGTCAAAGTCTGCAAAAA[G>C]AAGCTGAAAGAGAAAGCCACCACGGAGGCAGACAGCACCAAAAAGGAAGAAGATGCTTCA-3'
Protein context (NP_991331.1, residues 114-134): HMYDIVKVCK[Lys124Asn]KLKEKATTEA